The following is an entry in ClinVar:

ClinVar aggregate classification (germline): Uncertain significance (1 of 4 stars; one submission).

Conditions:
Lysinuric protein intolerance (LPI). Identifiers: Orphanet 470, MedGen C0268647, MONDO:0009109, OMIM 222700.

Submission:

Labcorp Genetics (formerly Invitae), Labcorp
Classification: Uncertain significance for Lysinuric protein intolerance. Last evaluated: 2022-03-03. Review status: criteria provided, single submitter. Criteria: Invitae Variant Classification Sherloc (09022015). Collection method: clinical testing. Allele origin: germline.
Comment: This variant is present in population databases (no rsID available, gnomAD 0.003%). This sequence change replaces serine, which is neutral and polar, with phenylalanine, which is neutral and non-polar, at codon 319 of the SLC7A7 protein (p.Ser319Phe). This variant has not been reported in the literature in individuals affected with SLC7A7-related conditions. ClinVar contains an entry for this variant (Variation ID: 1026885). Algorithms developed to predict the effect of missense changes on protein structure and function (SIFT, PolyPhen-2, Align-GVGD) all suggest that this variant is likely to be disruptive. In summary, the available evidence is currently insufficient to determine the role of this variant in disease. Therefore, it has been classified as a Variant of Uncertain Significance.

NM_003982.4(SLC7A7):c.956C>T (p.Ser319Phe)

Gene: SLC7A7 (solute carrier family 7 member 7; minus strand). Cytogenetic location: 14q11.2.
Variant type: single nucleotide variant.
Coding change: c.956C>T on transcript NM_003982.4 (MANE Select); coding-DNA position 956, C replaced by T.
Protein change: p.Ser319Phe; replaces serine 319 with phenylalanine.
Molecular consequence: missense variant.
Genome position (GRCh38, 1-based): chr14:22,775,875, G>A on the plus strand (C>T on the coding strand, the complement: SLC7A7 is on the minus strand). VCF-style: chr14-22775875-G-A. GRCh37 (hg19) VCF-style: chr14-23245084-G-A.
Other names: c.956C>T, p.Ser319Phe (NM_001126105.3, NM_001126106.4); short protein forms S319F.
Identifiers: ClinVar variation 1026885 (VCV001026885.8), dbSNP rs1156861166, ClinGen allele CA388923323.